The following is an entry in ClinVar:

NM_000303.3(PMM2):c.463C>T (p.Gln155Ter)

Gene: PMM2 (phosphomannomutase 2; plus strand). Cytogenetic location: 16p13.2.
Variant type: single nucleotide variant.
Coding change: c.463C>T on transcript NM_000303.3 (MANE Select); coding-DNA position 463, C replaced by T.
Protein change: p.Gln155Ter; replaces glutamine 155 with a stop codon.
Molecular consequence: nonsense.
Genome position (GRCh38, 1-based): chr16:8,811,653, C>T. VCF-style: chr16-8811653-C-T. GRCh37 (hg19) VCF-style: chr16-8905510-C-T.
Other names: short protein forms Q155*.
Identifiers: ClinVar variation 656436 (VCV000656436.7), dbSNP rs754407762, ClinGen allele CA7894087.
Genomic context (GRCh38, chr16:8,811,653, plus strand): 5'-AAACTGCAATACAAGAAACAATTGGTATCTTTTTGTTTTTCTCAGAAAGAAAATATAAGA[C>T]AAAAGTTTGTAGCAGATCTACGGAAAGAGTTTGCTGGAAAAGGCCTCACGTTTTCCATAG-3'

ClinVar aggregate classification (germline): Pathogenic/Likely pathogenic. Review status: criteria provided, multiple submitters, no conflicts (2 of 4 stars). 2 submissions from 2 submitters: Pathogenic (1); Likely pathogenic (1). Last evaluated 2025-02-03.

Conditions:
PMM2-congenital disorder of glycosylation. Also called: CARBOHYDRATE-DEFICIENT GLYCOPROTEIN SYNDROME, TYPE Ia; PHOSPHOMANNOMUTASE 2 DEFICIENCY; CDG Ia; JAEKEN SYNDROME; Congenital disorder of glycosylation, type Ia; PMM2-CDG. Identifiers: Orphanet 79318, MedGen C0349653, MONDO:0008907, OMIM 212065.

Allele frequency attached by ClinVar (database versions not stated): ExAC 0.00001.
gnomAD v4.1: 5 of 1,611,910 alleles (0.00031%); highest among the groups gnomAD compares: South Asian, 0.0044%; no homozygotes.

Submissions (2):

Natera, Inc.
Classification: Likely pathogenic for Congenital disorder of glycosylation type 1a. Last evaluated: 2025-02-03. Review status: criteria provided, single submitter. Criteria: Natera Variant Classification Schema (03/2026). Collection method: clinical testing. Allele origin: germline.
Comment: The c.463C>T variant in PMM2 is a nonsense variant predicted to introduce a stop codon at amino acid 155. This variant is expected to result in nonsense mediated decay, truncation, or a dysfunctional protein product. This variant is rare in the general population with a frequency below the threshold expected for the associated phenotype(s). Given the available evidence, this variant is classified as Likely Pathogenic.

Labcorp Genetics (formerly Invitae), Labcorp
Classification: Pathogenic for PMM2-congenital disorder of glycosylation. Last evaluated: 2022-06-09. Review status: criteria provided, single submitter. Criteria: Invitae Variant Classification Sherloc (09022015). Collection method: clinical testing. Allele origin: germline.
Comment: For these reasons, this variant has been classified as Pathogenic. ClinVar contains an entry for this variant (Variation ID: 656436). This variant has not been reported in the literature in individuals affected with PMM2-related conditions. This variant is present in population databases (rs754407762, gnomAD 0.003%). This sequence change creates a premature translational stop signal (p.Gln155*) in the PMM2 gene. It is expected to result in an absent or disrupted protein product. Loss-of-function variants in PMM2 are known to be pathogenic (PMID: 19862844).

Literature cited by the submitters: PubMed 19862844 (cited by Labcorp Genetics (formerly Invitae), Labcorp).